The following is an entry in ClinVar:

ClinVar aggregate classification (germline): Conflicting classifications of pathogenicity. Review status: criteria provided, conflicting classifications (1 of 4 stars). 26 submissions from 22 submitters: Uncertain significance (1); Benign (15); Likely benign (4). 6 of the submissions do not count toward it. Last evaluated 2026-09-01.

Conditions:
Cardiovascular phenotype. Identifiers: MedGen CN230736.
Dilated cardiomyopathy 1G (CMD1G). Identifiers: Orphanet 154, MedGen C1858763, MONDO:0011400, OMIM 604145.
Autosomal recessive limb-girdle muscular dystrophy type 2J (LGMDR10). Also called: MUSCULAR DYSTROPHY, LIMB-GIRDLE, AUTOSOMAL RECESSIVE 10; Limb-girdle muscular dystrophy, type 2J. Identifiers: Orphanet 140922, MedGen C1837342, MONDO:0012127, OMIM 608807.
Cardiomyopathy (CMYO). Also called: Cardiomyopathies. Identifiers: Orphanet 167848, MedGen C0878544, MONDO:0004994, HP:0001638. Inheritance: Various modes of inheritance.
Early-onset myopathy with fatal cardiomyopathy (CMYO5). Also called: CONGENITAL MYOPATHY 5 WITH CARDIOMYOPATHY; Salih Myopathy. Identifiers: Orphanet 289377, MedGen C2673677, MONDO:0012714, OMIM 611705. Disease mechanism: loss of function.
Myopathy, myofibrillar, 9, with early respiratory failure (MFM9). Also called: Myopathy, distal, with early respiratory failure, autosomal dominant; Hereditary myopathy with early respiratory failure; MYOPATHY, PROXIMAL, WITH EARLY RESPIRATORY MUSCLE INVOLVEMENT; EDSTROM MYOPATHY. Identifiers: Orphanet 178464, Orphanet 34521, MedGen C1863599, MONDO:0011362, OMIM 603689.
Tibial muscular dystrophy (TMD). Also called: Udd Distal Myopathy – Tibial Muscular Dystrophy; Tibial muscular dystrophy, tardive; UDD MYOPATHY. Identifiers: Orphanet 609, MedGen C1838244, MONDO:0010870, OMIM 600334.

Allele frequency attached by ClinVar (database versions not stated): 1000 Genomes Project 30x 0.00344; 1000 Genomes Project 0.00379; gnomAD exomes 0.00795 and 0.01047; gnomAD 0.01021 and 0.01073; TOPMed 0.00416; ExAC 0.00979; ESP Exome Variant Server 0.00492.
gnomAD v4.1: 13,163 of 1,613,970 alleles (0.82%); highest among the groups gnomAD compares: Non-Finnish European, 0.68%; 201 homozygotes.

Submissions (26):

CeGaT Center for Human Genetics Tuebingen
Classification: Likely benign. Last evaluated: 2026-09-01. Review status: criteria provided, single submitter. Criteria: CeGaT Center For Human Genetics Tuebingen Variant Classification Criteria Version 2. Collection method: clinical testing. Allele origin: germline. Affected: yes. Observed: 91 variant alleles.
Comment: TTN: BP4, BS2

Labcorp Genetics (formerly Invitae), Labcorp
Classification: Benign for Dilated cardiomyopathy 1G; Autosomal recessive limb-girdle muscular dystrophy type 2J. Last evaluated: 2026-02-04. Review status: criteria provided, single submitter. Criteria: Invitae Variant Classification Sherloc (09022015). Collection method: clinical testing. Allele origin: germline.

ARUP Laboratories, Molecular Genetics and Genomics, ARUP Laboratories
Classification: Benign. Last evaluated: 2025-04-14. Review status: criteria provided, single submitter. Criteria: ARUP Molecular Germline Variant Investigation Process 2024. Collection method: clinical testing. Allele origin: germline.

Molecular Diagnostic Laboratory for Inherited Cardiovascular Disease, Montreal Heart Institute
Classification: Benign. Last evaluated: 2025-04-09. Review status: criteria provided, single submitter. Criteria: ACMG Guidelines, 2015. Collection method: clinical testing. Allele origin: germline. Affected: no.

Blueprint Genetics
Classification: Likely benign. Last evaluated: 2024-11-26. Review status: criteria provided, single submitter. Criteria: ACMG Guidelines, 2015. Collection method: clinical testing. Allele origin: germline.

Mayo Clinic Laboratories, Mayo Clinic
Classification: Benign. Last evaluated: 2024-02-28. Review status: criteria provided, single submitter. Criteria: ACMG Guidelines, 2015. Collection method: clinical testing. Allele origin: germline. Observed: 24 variant alleles.

Athena Diagnostics
Classification: Benign. Last evaluated: 2023-12-08. Review status: criteria provided, single submitter. Criteria: Athena Diagnostics Criteria. Collection method: clinical testing. Allele origin: unknown.

Women's Health and Genetics/Laboratory Corporation of America, LabCorp
Classification: Benign. Last evaluated: 2019-10-30. Review status: criteria provided, single submitter. Criteria: LabCorp Variant Classification Summary - May 2015. Collection method: clinical testing. Allele origin: germline.
Comment: Variant summary: TTN c.99083C>T (p.Thr33028Ile) results in a non-conservative amino acid change located in the M- band region of the encoded protein sequence. Three of four in-silico tools predict a benign effect of the variant on protein function. The variant allele was found at a frequency of 0.01 in 249112 control chromosomes in the gnomAD database, including 62 homozygotes. The observed variant frequency is approximately 16.7 fold the estimated maximal expected allele frequency for a pathogenic variant in TTN causing Cardiomyopathy phenotype (0.01 vs. 0.00063), strongly suggesting that the variant is benign. To our knowledge, no experimental evidence demonstrating the variant's impact on protein function has been reported in the literature. Four ClinVar submissions (evaluation after 2014) cites the variant three times as benign and once as likely benign. Based on the evidence outlined above, the variant was classified as benign.

Illumina Laboratory Services, Illumina
Classification: Likely benign for Dilated cardiomyopathy 1G. Last evaluated: 2018-01-13. Review status: criteria provided, single submitter. Criteria: ICSL Variant Classification Criteria 13 December 2019. Collection method: clinical testing. Allele origin: germline.
Comment: This variant was observed in the ICSL laboratory as part of a predisposition screen in an ostensibly healthy population. It had not been previously curated by ICSL or reported in the Human Gene Mutation Database (HGMD: prior to June 1st, 2018), and was therefore a candidate for classification through an automated scoring system. Utilizing variant allele frequency, disease prevalence and penetrance estimates, and inheritance mode, an automated score was calculated to assess if this variant is too frequent to cause the disease. Based on the score and internal cut-off values, a variant classified as likely benign is not then subjected to further curation. The score for this variant resulted in a classification of likely benign for this disease.

Illumina Laboratory Services, Illumina
Classification: Benign for Tibial muscular dystrophy. Last evaluated: 2018-01-13. Review status: criteria provided, single submitter. Criteria: ICSL Variant Classification Criteria 13 December 2019. Collection method: clinical testing. Allele origin: germline.
Comment: This variant was observed in the ICSL laboratory as part of a predisposition screen in an ostensibly healthy population. It had not been previously curated by ICSL or reported in the Human Gene Mutation Database (HGMD: prior to June 1st, 2018), and was therefore a candidate for classification through an automated scoring system. Utilizing variant allele frequency, disease prevalence and penetrance estimates, and inheritance mode, an automated score was calculated to assess if this variant is too frequent to cause the disease. Based on the score and internal cut-off values, a variant classified as benign is not then subjected to further curation. The score for this variant resulted in a classification of benign for this disease.

Illumina Laboratory Services, Illumina
Classification: Uncertain significance for Autosomal recessive limb-girdle muscular dystrophy type 2J. Last evaluated: 2018-01-13. Review status: criteria provided, single submitter. Criteria: ICSL Variant Classification Criteria 13 December 2019. Collection method: clinical testing. Allele origin: germline.

Illumina Laboratory Services, Illumina
Classification: Benign for Myopathy, myofibrillar, 9, with early respiratory failure. Last evaluated: 2018-01-13. Review status: criteria provided, single submitter. Criteria: ICSL Variant Classification Criteria 13 December 2019. Collection method: clinical testing. Allele origin: germline.
Comment: the same text as in the submission from Illumina Laboratory Services, Illumina above.

Illumina Laboratory Services, Illumina
Classification: Likely benign for Early-onset myopathy with fatal cardiomyopathy. Last evaluated: 2018-01-13. Review status: criteria provided, single submitter. Criteria: ICSL Variant Classification Criteria 13 December 2019. Collection method: clinical testing. Allele origin: germline.
Comment: the same text as in the submission from Illumina Laboratory Services, Illumina above.

CHEO Genetics Diagnostic Laboratory, Children's Hospital of Eastern Ontario
Classification: Benign for Cardiomyopathy. Last evaluated: 2015-10-22. Review status: criteria provided, single submitter. Criteria: ACMG Guidelines, 2015. Collection method: clinical testing. Allele origin: germline. Study: Canadian Open Genetics Repository.

Laboratory for Molecular Medicine, Mass General Brigham Personalized Medicine
Classification: Benign. Last evaluated: 2015-05-18. Review status: criteria provided, single submitter. Criteria: LMM Criteria. Collection method: clinical testing. Allele origin: germline. Observed: 22 variant alleles.
Comment: p.Thr33028Ile in exon 309 of TTN: This variant is not expected to have clinical significance because it has been identified in 7.6% (505/6606) of Finnish chromo somes including 25 homozygous individuals by the Exome Aggregation Consortium (E xAC; dbSNP rs55842557).

Eurofins Ntd Llc (ga)
Classification: Benign. Last evaluated: 2014-11-23. Review status: criteria provided, single submitter. Criteria: EGL Classification Definitions 2015. Collection method: clinical testing. Allele origin: germline. Observed: 2 variant alleles, 1 heterozygote, 1 homozygote.

GeneDx
Classification: Benign. Last evaluated: 2013-11-01. Review status: criteria provided, single submitter. Criteria: GeneDx Variant Classification (06012015). Collection method: clinical testing. Allele origin: germline. Affected: yes.
Comment: This variant is considered likely benign or benign based on one or more of the following criteria: it is a conservative change, it occurs at a poorly conserved position in the protein, it is predicted to be benign by multiple in silico algorithms, and/or has population frequency not consistent with disease.

Biesecker Lab/Clinical Genomics Section, National Institutes of Health
Classification: Benign. Last evaluated: 2013-06-24. Review status: criteria provided, single submitter. Criteria: Ng et al. (Circ Cardiovasc Genet. 2013). Collection method: research. Allele origin: unknown. Observed: 5 variant alleles. Study: ClinSeq.
Comment: The study set was not selected for affection status in relation to any cancer. Pathogenicity categories were based on literature curation. See Pubmed ID:23861362 for details.

Medical sequencing

Ambry Genetics
Classification: Benign for Cardiovascular phenotype. Last evaluated: 2013-05-14. Review status: criteria provided, single submitter. Criteria: Ambry Autosomal Dominant and X-Linked criteria (10/2015). Collection method: clinical testing. Allele origin: germline. Observed: 1 variant allele.

PreventionGenetics, part of Exact Sciences
Classification: Benign. Review status: criteria provided, single submitter. Criteria: ACMG Guidelines, 2015. Collection method: clinical testing. Allele origin: germline.

Clinical Genetics DNA and cytogenetics Diagnostics Lab, Erasmus MC, Erasmus Medical Center
Classification: Likely benign. Review status: no assertion criteria provided. Collection method: clinical testing. Allele origin: germline. Affected: yes. Study: VKGL Data-share Consensus. Not counted in ClinVar's aggregate classification.

Clinical Genetics, Academic Medical Center
Classification: Benign. Review status: no assertion criteria provided. Collection method: clinical testing. Allele origin: germline. Affected: yes. Study: VKGL Data-share Consensus. Not counted in ClinVar's aggregate classification.

Diagnostic Laboratory, Department of Genetics, University Medical Center Groningen
Classification: Likely benign. Review status: no assertion criteria provided. Collection method: clinical testing. Allele origin: germline. Affected: yes. Study: VKGL Data-share Consensus. Not counted in ClinVar's aggregate classification.

Genome Diagnostics Laboratory, University Medical Center Utrecht
Classification: Likely benign. Review status: no assertion criteria provided. Collection method: clinical testing. Allele origin: germline. Affected: yes. Study: VKGL Data-share Consensus. Not counted in ClinVar's aggregate classification.

Joint Genome Diagnostic Labs from Nijmegen and Maastricht, Radboudumc and MUMC+
Classification: Benign. Review status: no assertion criteria provided. Collection method: clinical testing. Allele origin: germline. Affected: yes. Study: VKGL Data-share Consensus. Not counted in ClinVar's aggregate classification.

Laboratory of Diagnostic Genome Analysis, Leiden University Medical Center (LUMC)
Classification: Likely benign. Review status: no assertion criteria provided. Collection method: clinical testing. Allele origin: germline. Affected: yes. Study: VKGL Data-share Consensus. Not counted in ClinVar's aggregate classification.

NM_001267550.2(TTN):c.106787C>T (p.Thr35596Ile)

Genes: TTN (titin; minus strand), TTN-AS1 (TTN antisense RNA 1; plus strand). Cytogenetic location: 2q31.2.
Variant type: single nucleotide variant.
Coding change: c.106787C>T on transcript NM_001267550.2 (MANE Select); coding-DNA position 106787, C replaced by T.
Protein change: p.Thr35596Ile; replaces threonine 35596 with isoleucine.
Molecular consequence: missense variant.
Genome position (GRCh38, 1-based): chr2:178,528,964, G>A on the plus strand (C>T on the coding strand, the complement: TTN is on the minus strand). VCF-style: chr2-178528964-G-A. GRCh37 (hg19) VCF-style: chr2-179393691-G-A.
Other names: p.T33028I:ACA>ATA; c.101864C>T, p.Thr33955Ile (NM_001256850.1); c.79592C>T, p.Thr26531Ile (NM_003319.4); c.99083C>T, p.Thr33028Ile (NM_133378.4); c.79967C>T, p.Thr26656Ile (NM_133432.3); c.80168C>T, p.Thr26723Ile (NM_133437.4); short protein forms T35596I, T33028I, T33955I, T26656I, T26531I, T26723I.
Identifiers: ClinVar variation 47712 (VCV000047712.77), dbSNP rs55842557, ClinGen allele CA284402.
Genomic context (GRCh38, chr2:178,528,964, plus strand): 5'-ATCTGAGTAGAAAATGCTTTAATCTCAGCATGAGTTCTGACTTCTTCTGATGCCTGTGAT[G>A]TTTTAGTGATTTCCTCATGGACAATGGATTTTTCCAGGGAGGTTGCTGCTGATTTCTTGA-3'
Protein context (NP_001254479.2, residues 35586-35606): KSIVHEEITK[Thr35596Ile]SQASEEVRTH